The following is an entry in ClinVar:

NM_000186.4(CFH):c.2468T>C (p.Met823Thr)

Gene: CFH (complement factor H; plus strand). Cytogenetic location: 1q31.3.
Variant type: single nucleotide variant.
Coding change: c.2468T>C on transcript NM_000186.4 (MANE Select); coding-DNA position 2468, T replaced by C.
Protein change: p.Met823Thr; replaces methionine 823 with threonine.
Molecular consequence: missense variant.
Genome position (GRCh38, 1-based): chr1:196,736,878, T>C. VCF-style: chr1-196736878-T-C. GRCh37 (hg19) VCF-style: chr1-196706008-T-C.
Other names: c.2468T>C (NM_000186.3); short protein forms M823T.
Identifiers: ClinVar variation 1420497 (VCV001420497.11), dbSNP rs1226060948, ClinGen allele CA343992801.
Genomic context (GRCh38, chr1:196,736,878, plus strand): 5'-TTTTAGTGGCACAAATACAATTATGCCCACCTCCACCTCAGATTCCCAATTCTCACAATA[T>C]GACAACCACACTGAATTATCGGGATGGAGAAAAAGTATCTGTTCTTTGCCAAGAAAATTA-3'
Protein context (NP_000177.2, residues 813-833): PPPQIPNSHN[Met823Thr]TTTLNYRDGE

ClinVar aggregate classification (germline): Uncertain significance. Review status: criteria provided, multiple submitters, no conflicts (2 of 4 stars). 3 submissions from 3 submitters: Uncertain significance (3). Last evaluated 2026-09-17.

Conditions:
CFH-related disorder. Also called: CFH-related disorders; CFH-related condition.
Atypical hemolytic-uremic syndrome. Identifiers: Orphanet 2134, MedGen C2931788, MONDO:0016244.

Allele frequency attached by ClinVar (database versions not stated): gnomAD exomes below 0.00001; gnomAD 0.00001; TOPMed 0.00001.
gnomAD v4.1: 2 of 1,599,770 alleles (0.00013%); highest among the groups gnomAD compares: Admixed American, 0.0017%; no homozygotes.

Submissions (3):

Genomenon, Inc
Classification: Uncertain significance for Atypical hemolytic-uremic syndrome. Last evaluated: 2026-09-17. Review status: criteria provided, single submitter. Criteria: Genomenon Sequence Variant Interpretation Standards - Updated. Collection method: curation. Allele origin: germline. Affected: yes.
Comment: CFH p.Met823Thr (c.2468T>C) is a missense variant that changes the amino acid at codon 823 from methionine to threonine. This variant has been observed in at least one proband affected with atypical hemolytic-uremic syndrome (PMID: 28941939). Functional studies have been reported (PMID: 28941939). It is absent or not present at a significant frequency in gnomAD. In silico models predict that this variant is not damaging. In conclusion, we classify CFH p.Met823Thr (c.2468T>C) as a variant of uncertain significance.

PreventionGenetics, part of Exact Sciences
Classification: Uncertain significance for CFH-related condition. Last evaluated: 2026-02-24. Review status: criteria provided, single submitter. Criteria: ACMG Guidelines, 2015. Collection method: clinical testing. Allele origin: germline.
Comment: The CFH c.2468T>C variant is predicted to result in the amino acid substitution p.Met823Thr. This variant has been reported in a study of individuals of with atypical hemolytic uremic syndrome in one affected individual who also had a variant in the CFI gene (Carrier ID 18) and in a healthy individual (Carrier ID 18-M) (Merinero et al. 2018. PubMed ID: 28941939). This variant is reported in 0.0033% of alleles in individuals of South Asian descent in gnomAD. At this time, the clinical significance of this variant is uncertain due to the absence of conclusive functional and genetic evidence.

Labcorp Genetics (formerly Invitae), Labcorp
Classification: Uncertain significance. Last evaluated: 2025-10-11. Review status: criteria provided, single submitter. Criteria: Invitae Variant Classification Sherloc (09022015). Collection method: clinical testing. Allele origin: germline.
Comment: This sequence change replaces methionine, which is neutral and non-polar, with threonine, which is neutral and polar, at codon 823 of the CFH protein (p.Met823Thr). This variant is present in population databases (no rsID available, gnomAD 0.003%). This missense change has been observed in individual(s) with atypical hemolytic uremic syndrome (PMID: 28941939). ClinVar contains an entry for this variant (Variation ID: 1420497). An algorithm developed to predict the effect of missense changes on protein structure and function (PolyPhen-2) suggests that this variant is likely to be tolerated. Experimental studies have shown that this missense change affects CFH function (PMID: 28941939). In summary, the available evidence is currently insufficient to determine the role of this variant in disease. Therefore, it has been classified as a Variant of Uncertain Significance.

Literature cited by the submitters: PubMed 28941939 (cited by Genomenon, Inc and Labcorp Genetics (formerly Invitae), Labcorp).